The following is an entry in ClinVar:

NM_021072.4(HCN1):c.2615C>T (p.Ser872Phe)

Gene: HCN1 (hyperpolarization activated cyclic nucleotide gated potassium channel 1; minus strand). Cytogenetic location: 5p12.
Variant type: single nucleotide variant.
Coding change: c.2615C>T on transcript NM_021072.4 (MANE Select); coding-DNA position 2615, C replaced by T.
Protein change: p.Ser872Phe; replaces serine 872 with phenylalanine.
Molecular consequence: missense variant.
Genome position (GRCh38, 1-based): chr5:45,261,979, G>A on the plus strand (C>T on the coding strand, the complement: HCN1 is on the minus strand). VCF-style: chr5-45261979-G-A. GRCh37 (hg19) VCF-style: chr5-45262081-G-A.
Other names: short protein forms S872F.
Identifiers: ClinVar variation 1055235 (VCV001055235.10), dbSNP rs199774910, ClinGen allele CA3259073.

ClinVar aggregate classification (germline): Uncertain significance (1 of 4 stars; one submission).

Conditions:
Early-infantile DEE. Also called: Ohtahara syndrome; Early infantile epileptic encephalopathy with suppression bursts; Early infantile epileptic encephalopathy. Identifiers: Orphanet 1934, MedGen C0393706, MONDO:0800491.

Allele frequency attached by ClinVar (database versions not stated): gnomAD exomes below 0.00001 and 0.00002; gnomAD 0.00001; TOPMed 0.00001; ExAC 0.00003; 1000 Genomes Project 30x 0.00016.
gnomAD v4.1: 7 of 1,614,140 alleles (0.00043%); highest among the groups gnomAD compares: East Asian, 0.013%; no homozygotes.

Submission:

Labcorp Genetics (formerly Invitae), Labcorp
Classification: Uncertain significance for Early-infantile DEE. Last evaluated: 2025-04-14. Review status: criteria provided, single submitter. Criteria: Invitae Variant Classification Sherloc (09022015). Collection method: clinical testing. Allele origin: germline.
Comment: This sequence change replaces serine, which is neutral and polar, with phenylalanine, which is neutral and non-polar, at codon 872 of the HCN1 protein (p.Ser872Phe). This variant is present in population databases (rs199774910, gnomAD 0.03%). This variant has not been reported in the literature in individuals affected with HCN1-related conditions. ClinVar contains an entry for this variant (Variation ID: 1055235). Invitae Evidence Modeling of protein sequence and biophysical properties (such as structural, functional, and spatial information, amino acid conservation, physicochemical variation, residue mobility, and thermodynamic stability) has been performed for this missense variant. However, the output from this modeling did not meet the statistical confidence thresholds required to predict the impact of this variant on HCN1 protein function. In summary, the available evidence is currently insufficient to determine the role of this variant in disease. Therefore, it has been classified as a Variant of Uncertain Significance.